The following is an entry in ClinVar:

ClinVar aggregate classification (germline): Conflicting classifications of pathogenicity. Review status: criteria provided, conflicting classifications (1 of 4 stars). 2 submissions from 2 submitters: Uncertain significance (1); Likely benign (1). Last evaluated 2025-01-07.

Conditions:
Inborn genetic diseases. Identifiers: MedGen C0950123, MeSH D030342.
Nemaline myopathy 2 (NEM2). Also called: Nemaline myopathy 2, autosomal recessive. Identifiers: MedGen C1850569, MONDO:0009725, OMIM 256030.

Allele frequency attached by ClinVar (database versions not stated): gnomAD exomes 0.00001 and 0.00002; ExAC 0.00004; TOPMed 0.00004; gnomAD 0.00006.
gnomAD v4.1: 14 of 1,612,674 alleles (0.00087%); highest among the groups gnomAD compares: East Asian, 0.013%; no homozygotes.

Submissions (2):

Ambry Genetics
Classification: Likely benign for Inborn genetic diseases. Last evaluated: 2025-01-07. Review status: criteria provided, single submitter. Criteria: Ambry Variant Classification Scheme 2023. Collection method: clinical testing. Allele origin: germline.

Labcorp Genetics (formerly Invitae), Labcorp
Classification: Uncertain significance for Nemaline myopathy 2. Last evaluated: 2021-08-31. Review status: criteria provided, single submitter. Criteria: Invitae Variant Classification Sherloc (09022015). Collection method: clinical testing. Allele origin: germline.
Comment: This sequence change replaces threonine with alanine at codon 839 of the NEB protein (p.Thr839Ala). The threonine residue is weakly conserved and there is a small physicochemical difference between threonine and alanine. This variant is present in population databases (rs779630318, ExAC 0.03%). This variant has not been reported in the literature in individuals affected with NEB-related conditions. Algorithms developed to predict the effect of missense changes on protein structure and function output the following: SIFT: "Tolerated"; PolyPhen-2: "Not Available"; Align-GVGD: "Class C0". The alanine amino acid residue is found in multiple mammalian species, which suggests that this missense change does not adversely affect protein function. In summary, the available evidence is currently insufficient to determine the role of this variant in disease. Therefore, it has been classified as a Variant of Uncertain Significance.

NM_001164508.2(NEB):c.2515A>G (p.Thr839Ala)

Gene: NEB (nebulin; minus strand). Cytogenetic location: 2q23.3.
Variant type: single nucleotide variant.
Coding change: c.2515A>G on transcript NM_001164508.2 (MANE Select); coding-DNA position 2515, A replaced by G.
Protein change: p.Thr839Ala; replaces threonine 839 with alanine.
Molecular consequence: missense variant.
Genome position (GRCh38, 1-based): chr2:151,687,634, T>C on the plus strand (A>G on the coding strand, the complement: NEB is on the minus strand). VCF-style: chr2-151687634-T-C. GRCh37 (hg19) VCF-style: chr2-152544148-T-C.
Other names: c.2515A>G, p.Thr839Ala (NM_001164507.2, NM_001271208.2, NM_004543.5); c.2515A>G (NM_004543.4); short protein forms T839A.
Identifiers: ClinVar variation 949893 (VCV000949893.8), dbSNP rs779630318, ClinGen allele CA1911206.
Genomic context (GRCh38, chr2:151,687,634, plus strand): 5'-ATGTCCCCAAGGCCACCCTGTCCAGGTCCCCAGGTCCCCAGGCCACACTCACATCGCTGG[T>C]GTTCTTGGTGTTGGCTTTGGCTGCCAACAGGGGAATGGCGTCCACTTTAATGTCAAACTT-3'
Protein context (NP_001157980.2, residues 829-849): LLAAKANTKN[Thr839Ala]SDVMYKKDYE